The following is an entry in ClinVar:

ClinVar aggregate classification (germline): Uncertain significance (1 of 4 stars; one submission).

Conditions:
Chédiak-Higashi syndrome (CHS). Also called: Chediak-Higashi Syndrome. Identifiers: Orphanet 167, MedGen C0007965, MONDO:0008963, OMIM 214500.

Allele frequency attached by ClinVar (database versions not stated): ExAC 0.00002; gnomAD exomes 0.00002; gnomAD 0.00003; TOPMed 0.00003.
gnomAD v4.1: 29 of 1,613,696 alleles (0.0018%); highest among the groups gnomAD compares: African/African-American, 0.0053%; no homozygotes.

Submission:

Labcorp Genetics (formerly Invitae), Labcorp
Classification: Uncertain significance for Chédiak-Higashi syndrome. Last evaluated: 2022-09-29. Review status: criteria provided, single submitter. Criteria: Invitae Variant Classification Sherloc (09022015). Collection method: clinical testing. Allele origin: germline.
Comment: This sequence change replaces arginine, which is basic and polar, with cysteine, which is neutral and slightly polar, at codon 3216 of the LYST protein (p.Arg3216Cys). This variant is present in population databases (rs750548491, gnomAD 0.008%). This variant has not been reported in the literature in individuals affected with LYST-related conditions. ClinVar contains an entry for this variant (Variation ID: 657699). Advanced modeling of protein sequence and biophysical properties (such as structural, functional, and spatial information, amino acid conservation, physicochemical variation, residue mobility, and thermodynamic stability) performed at Invitae indicates that this missense variant is not expected to disrupt LYST protein function. In summary, the available evidence is currently insufficient to determine the role of this variant in disease. Therefore, it has been classified as a Variant of Uncertain Significance.

NM_000081.4(LYST):c.9646C>T (p.Arg3216Cys)

Gene: LYST (lysosomal trafficking regulator; minus strand). Cytogenetic location: 1q42.3.
Variant type: single nucleotide variant.
Coding change: c.9646C>T on transcript NM_000081.4 (MANE Select); coding-DNA position 9646, C replaced by T.
Protein change: p.Arg3216Cys; replaces arginine 3216 with cysteine.
Molecular consequence: missense variant.
Genome position (GRCh38, 1-based): chr1:235,715,339, G>A on the plus strand (C>T on the coding strand, the complement: LYST is on the minus strand). VCF-style: chr1-235715339-G-A. GRCh37 (hg19) VCF-style: chr1-235878639-G-A.
Other names: c.9646C>T, p.Arg3216Cys (NM_001301365.1); short protein forms R3216C.
Identifiers: ClinVar variation 657699 (VCV000657699.3), dbSNP rs750548491, ClinGen allele CA1465518.